The following is an entry in ClinVar:

NM_000064.4(C3):c.367G>C (p.Val123Leu)

Gene: C3 (complement C3; minus strand). Cytogenetic location: 19p13.3.
Variant type: single nucleotide variant.
Coding change: c.367G>C on transcript NM_000064.4 (MANE Select); coding-DNA position 367, G replaced by C.
Protein change: p.Val123Leu; replaces valine 123 with leucine.
Molecular consequence: missense variant.
Genome position (GRCh38, 1-based): chr19:6,718,313, C>G on the plus strand (G>C on the coding strand, the complement: C3 is on the minus strand). VCF-style: chr19-6718313-C-G. GRCh37 (hg19) VCF-style: chr19-6718324-C-G.
Other names: short protein forms V123L.
Identifiers: ClinVar variation 4697742 (VCV004697742.1).

ClinVar aggregate classification (germline): Uncertain significance (1 of 4 stars; one submission).

gnomAD v4.1: 2 of 1,614,228 alleles (0.00012%); highest among the groups gnomAD compares: South Asian, 0.0022%; no homozygotes.

Submission:

Labcorp Genetics (formerly Invitae), Labcorp
Classification: Uncertain significance. Last evaluated: 2025-11-08. Review status: criteria provided, single submitter. Criteria: Invitae Variant Classification Sherloc (09022015). Collection method: clinical testing. Allele origin: germline.
Comment: This sequence change replaces valine, which is neutral and non-polar, with leucine, which is neutral and non-polar, at codon 123 of the C3 protein (p.Val123Leu). This variant is present in population databases (no rsID available, gnomAD 0.003%). This variant has not been reported in the literature in individuals affected with C3-related conditions. Invitae Evidence Modeling of protein sequence and biophysical properties (such as structural, functional, and spatial information, amino acid conservation, physicochemical variation, residue mobility, and thermodynamic stability) indicates that this missense variant is not expected to disrupt C3 protein function with a negative predictive value of 80%. In summary, the available evidence is currently insufficient to determine the role of this variant in disease. Therefore, it has been classified as a Variant of Uncertain Significance.